The following is an entry in ClinVar:

ClinVar aggregate classification (germline): Pathogenic (1 of 4 stars; one submission).

Submission:

Labcorp Genetics (formerly Invitae), Labcorp
Classification: Pathogenic. Last evaluated: 2023-08-18. Review status: criteria provided, single submitter. Criteria: Invitae Variant Classification Sherloc (09022015). Collection method: clinical testing. Allele origin: germline.
Comment: For these reasons, this variant has been classified as Pathogenic. This variant has not been reported in the literature in individuals affected with CEP152-related conditions. This variant is not present in population databases (gnomAD no frequency). This sequence change creates a premature translational stop signal (p.Gln265*) in the CEP152 gene. It is expected to result in an absent or disrupted protein product. Loss-of-function variants in CEP152 are known to be pathogenic (PMID: 21131973).

Literature cited by the submitters: PubMed 21131973.

NM_001194998.2(CEP152):c.793C>T (p.Gln265Ter)

Gene: CEP152 (centrosomal protein 152; minus strand). Cytogenetic location: 15q21.1.
Variant type: single nucleotide variant.
Coding change: c.793C>T on transcript NM_001194998.2 (MANE Select); coding-DNA position 793, C replaced by T.
Protein change: p.Gln265Ter; replaces glutamine 265 with a stop codon.
Molecular consequence: nonsense.
Genome position (GRCh38, 1-based): chr15:48,793,360, G>A on the plus strand (C>T on the coding strand, the complement: CEP152 is on the minus strand). VCF-style: chr15-48793360-G-A. GRCh37 (hg19) VCF-style: chr15-49085557-G-A.
Other names: c.793C>T, p.Gln265Ter (NM_014985.4); short protein forms Q265*.
Identifiers: ClinVar variation 2753845 (VCV002753845.3), dbSNP rs2504896841, ClinGen allele CA392356438.